The following is an entry in ClinVar:

ClinVar aggregate classification (germline): Uncertain significance (1 of 4 stars; one submission).

Submission:

GeneDx
Classification: Uncertain significance. Last evaluated: 2024-10-06. Review status: criteria provided, single submitter. Criteria: GeneDx Variant Classification Process June 2021. Collection method: clinical testing. Allele origin: germline. Affected: yes.
Comment: Not observed at significant frequency in large population cohorts (gnomAD); In silico analysis supports that this missense variant has a deleterious effect on protein structure/function; Has not been previously published as pathogenic or benign to our knowledge

NM_004380.3(CREBBP):c.3950G>T (p.Arg1317Ile)

Gene: CREBBP (CREB binding protein; minus strand). Cytogenetic location: 16p13.3.
Variant type: single nucleotide variant.
Coding change: c.3950G>T on transcript NM_004380.3 (MANE Select); coding-DNA position 3950, G replaced by T.
Protein change: p.Arg1317Ile; replaces arginine 1317 with isoleucine.
Molecular consequence: missense variant.
Genome position (GRCh38, 1-based): chr16:3,744,926, C>A on the plus strand (G>T on the coding strand, the complement: CREBBP is on the minus strand). VCF-style: chr16-3744926-C-A. GRCh37 (hg19) VCF-style: chr16-3794927-C-A.
Other names: c.3836G>T, p.Arg1279Ile (NM_001079846.1); short protein forms R1279I, R1317I.
Identifiers: ClinVar variation 3776719 (VCV003776719.1).